The following continues an entry in ClinVar:

NM_000256.3(MYBPC3):c.1928-2A>G

Gene: MYBPC3. ClinVar aggregate classification (germline): Pathogenic. Pathogenic (23).

Submissions 10 to 19 of 26:

Women's Health and Genetics/Laboratory Corporation of America, LabCorp
Classification: Pathogenic for Primary familial hypertrophic cardiomyopathy. Last evaluated: 2024-01-23. Review status: criteria provided, single submitter. Criteria: LabCorp Variant Classification Summary - May 2015. Collection method: clinical testing. Allele origin: germline.
Comment: Variant summary: MYBPC3 c.1928-2A>G is located in a canonical splice-site and is predicted to affect mRNA splicing resulting in a significantly altered protein due to either exon skipping, shortening, or inclusion of intronic material. Publications report experimental evidence that this variant affects mRNA splicing (Erdmann_2001, Bonne_1995). The variant was absent in 248758 control chromosomes. c.1928-2A>G has been reported in the literature in numerous individuals and families affected with Hypertrophic Cardiomyopathy (ie. Erdmann_2001, Bonne_1995, Fokstuen_MYH7_2008. ClinVar contains an entry for this variant (Variation ID: 42585). Based on the evidence outlined above, the variant was classified as pathogenic.

All of Us Research Program, National Institutes of Health
Classification: Pathogenic for Hypertrophic cardiomyopathy. Last evaluated: 2024-01-08. Review status: criteria provided, single submitter. Criteria: ACMG Guidelines, 2015. Collection method: clinical testing. Allele origin: germline. Inheritance: Autosomal dominant inheritance. Observed: 3 variant alleles, 3 heterozygotes.
Comment: The c.1928-2A>G variant of the MYBPC3 gene is predicted to disrupt the acceptor splice site in intron 20, resulting in abnormal RNA splicing. Variants that disrupt the donor or acceptor splice site typically lead to a loss of protein function (PMID: 16199547). Loss-of-function variants in MYBPC3 are known to be pathogenic (PMID: 19574547). This variant was first reported in two large French kindreds with hypertrophic cardiomyopathy (HCM) (PMID: 7493026) and has since then been reported in multiple unrelated individuals and families with HCM (PMID: 11499719, 12707239, 18409188, 20439259, 20624503, 23140321, 23690394, 24510615). This variant has been shown to lead to abnormal mRNA splicing and result in loss of protein expression (PMID: 10610770, 11499719, 25031304). This variant is absent in the general population (gnomAD). Based on these evidence, the c.1928-2A>G variant in MYBPC3 is classified as pathogenic.

This study involves interpretation of variants in research participants for the purpose of population health screening. Participant phenotype was not available at the time of variant classification. Additional details can be found in publication PMID: 35346344, PMCID: PMC8962531

Molecular Genetics, Royal Melbourne Hospital
Classification: Pathogenic for Hypertrophic cardiomyopathy. Last evaluated: 2023-08-01. Review status: criteria provided, single submitter. Criteria: ACMG Guidelines, 2015. Collection method: clinical testing. Allele origin: germline. Inheritance: Autosomal dominant inheritance. Affected: yes.
Comment: This sequence change in MYBPC3 occurs within the canonical splice acceptor site of intron 20. It is predicted to cause cryptic acceptor activation resulting in an 11bp deletion in exon 21 leading to premature termination codon and nonsense-mediated decay in a gene in which loss-of-function is an established disease mechanism. This prediction is confirmed by RT-PCR in patient cells (PMID: 7493026, 25031304). An assay also detected intron 20 inclusion predicting a premature termination codon introduced in intron 20 resulting in the disruption in the production of the MYBPC3 protein (PMID: 25031304). This variant is absent from the population database gnomAD v2.1 and v3.1. This variant has been reported in multiple unrelated individuals with hypertrophic cardiomyopathy (PMID: 23140321, 7493026, 12707239, 24510615, 9503187, 11499719, 20439259). Based on the classification scheme RMH Modified ACMG/AMP Guidelines v1.6.1, this variant is classified as PATHOGENIC. Following criteria are met: PVS1, PS4, PM2_Supporting.

Ambry Genetics
Classification: Pathogenic for Cardiovascular phenotype. Last evaluated: 2023-05-25. Review status: criteria provided, single submitter. Criteria: Ambry Variant Classification Scheme 2023. Collection method: clinical testing. Allele origin: germline.
Comment: The c.1928-2A>G intronic variant results from an A to G substitution two nucleotides before coding exon 21 of the MYBPC3 gene. Alterations that disrupt the canonical splice site are expected to cause aberrant splicing, resulting in an abnormal protein or a transcript that is subject to nonsense-mediated mRNA decay. This variant was not reported in population-based cohorts in the Genome Aggregation Database (gnomAD). This alteration was first reported in two large French kindreds with hypertrophic cardiomyopathy (HCM) (Bonne, 1995), and has since been reported in multiple unrelated individuals and families with HCM (Charron, 1998 (reported as SAS int20); Richard, 2003 (reported as IVS21-2A>G); Teirlinck, 2012 (reported as IVS202A>G); Kapplinger, 2014). This alteration has been shown to lead to abnormal splicing resulting in aberrant protein product (Bonne, 1995; Erdmann, 2001). In silico splice site analysis predicts that this alteration will weaken the native splice acceptor site and will result in the creation or strengthening of a novel splice acceptor site. Based on the available evidence, this alteration is classified as pathogenic.

Molecular Diagnostic Laboratory for Inherited Cardiovascular Disease, Montreal Heart Institute
Classification: Pathogenic for Cardiovascular phenotype. Last evaluated: 2023-04-17. Review status: criteria provided, single submitter. Criteria: ACMG Guidelines, 2015. Collection method: clinical testing. Allele origin: germline. Affected: yes.

CHEO Genetics Diagnostic Laboratory, Children's Hospital of Eastern Ontario
Classification: Pathogenic for Cardiomyopathy. Last evaluated: 2022-05-18. Review status: criteria provided, single submitter. Criteria: ACMG Guidelines, 2015. Collection method: clinical testing. Allele origin: germline.

GeneDx
Classification: Pathogenic. Last evaluated: 2021-12-06. Review status: criteria provided, single submitter. Criteria: GeneDx Variant Classification Process June 2021. Collection method: clinical testing. Allele origin: germline. Affected: yes.
Comment: Not observed at significant frequency in large population cohorts (gnomAD); Canonical splice site variant in a gene for which loss-of-function is a known mechanism of disease; mRNA functional studies have demonstrated this variant leads to aberrant gene splicing and the introduction of a premature stop codon (Bonne et al., 1995; Erdmann et al., 2001; Helms et al., 2014); Multiple other splice site variants in the MYBPC3 gene have been reported in the Human Gene Mutation Database in association with HCM (HGMD); Reported in ClinVar as pathogenic (ClinVar Variant ID# 42585; ClinVar); This variant is associated with the following publications: (PMID: 25031304, 20439259, 10610770, 28597742, 20624503, 24865491, 12707239, 9503187, 18409188, 23140321, 23348723, 25525159, 25611685, 23690394, 26743238, 26914223, 27532257, 28822653, 28369730, 24510615, 28790153, 25351510, 30128729, 31006259, 30550750, 31447099, 27688314, 31513939, 11499719, 7493026, 31737537, 33954932)

Institute of Medical Genetics and Applied Genomics, University Hospital Tübingen
Classification: Pathogenic. Last evaluated: 2020-10-23. Review status: criteria provided, single submitter. Criteria: ACMG Guidelines, 2015. Collection method: clinical testing. Allele origin: germline. Inheritance: Unknown mechanism. Affected: yes.

Laboratory for Molecular Medicine, Mass General Brigham Personalized Medicine
Classification: Pathogenic for Hypertrophic cardiomyopathy. Last evaluated: 2019-08-14. Review status: criteria provided, single submitter. Criteria: LMM Criteria. Collection method: clinical testing. Allele origin: germline. Inheritance: Autosomal dominant inheritance. Observed: 53 variant alleles.
Comment: The c.1928-2A>G variant in MYBPC3 has been identified in >40 individuals with hypertrophic cardiomyopathy (HCM) and segregated with disease in >20 affected relatives across several families (Bonne 1995, Charron 1998, Erdmann 2001, Richard 2003, Fokstuen 2008, Millat 2010, Teirlinck 2012, Valente 2013, Kapplinger 2014, LMM data). It has also been reported by other clinical laboratories in ClinVar (Variation ID:42585) and was absent from large population studies. This variant occurs in the invariant region (+/- 1,2) of the splice consensus sequence and has been shown to lead to aberrant splicing and subsequently a premature stop codon at position 661 (Bonne 1995, Flavigny 1999, Erdmann 2001). Please note that alternate nomenclature was used in some studies (Charron 1998: SAS int20; Richard 2003: IVS21-2A>G; Erdmann 2001: IVS20-2A>G). In summary, this variant meets criteria to be classified as pathogenic for autosomal dominant HCM. ACMG/AMP criteria applied: PS4, PP1_Strong, PM2, PS3.

Center for Human Genetics, University of Leuven
Classification: Pathogenic for Hypertrophic cardiomyopathy. Last evaluated: 2018-10-31. Review status: criteria provided, single submitter. Criteria: ACMG Guidelines, 2015. Collection method: clinical testing. Allele origin: germline. Affected: yes.